The following is an entry in ClinVar:

ClinVar aggregate classification (germline): Uncertain significance (1 of 4 stars; one submission).

Conditions:
Familial hypocalciuric hypercalcemia (FHH). Also called: Familial benign hypercalcemia. Identifiers: Orphanet 405, MedGen C1809471, MONDO:0018458.
Autosomal dominant hypocalcemia 1 (HYPOC1). Also called: HYPOCALCEMIA, FAMILIAL. Identifiers: MedGen C3715128, MONDO:0011013, OMIM 601198.

Submission:

Labcorp Genetics (formerly Invitae), Labcorp
Classification: Uncertain significance for Familial hypocalciuric hypercalcemia; Autosomal dominant hypocalcemia 1. Last evaluated: 2021-12-17. Review status: criteria provided, single submitter. Criteria: Invitae Variant Classification Sherloc (09022015). Collection method: clinical testing. Allele origin: germline.
Comment: In summary, the available evidence is currently insufficient to determine the role of this variant in disease. Therefore, it has been classified as a Variant of Uncertain Significance. Algorithms developed to predict the effect of missense changes on protein structure and function are either unavailable or do not agree on the potential impact of this missense change (SIFT: "Deleterious"; PolyPhen-2: "Possibly Damaging"; Align-GVGD: "Class C0"). This variant has not been reported in the literature in individuals affected with CASR-related conditions. This variant is not present in population databases (gnomAD no frequency). This sequence change replaces isoleucine, which is neutral and non-polar, with methionine, which is neutral and non-polar, at codon 252 of the CASR protein (p.Ile252Met).

NM_000388.4(CASR):c.756C>G (p.Ile252Met)

Gene: CASR (calcium sensing receptor; plus strand). Cytogenetic location: 3q21.1.
Variant type: single nucleotide variant.
Coding change: c.756C>G on transcript NM_000388.4 (MANE Select); coding-DNA position 756, C replaced by G.
Protein change: p.Ile252Met; replaces isoleucine 252 with methionine.
Molecular consequence: missense variant.
Genome position (GRCh38, 1-based): chr3:122,261,791, C>G. VCF-style: chr3-122261791-C-G. GRCh37 (hg19) VCF-style: chr3-121980638-C-G.
Other names: c.756C>G, p.Ile252Met (NM_001178065.2); short protein forms I252M.
Identifiers: ClinVar variation 2176975 (VCV002176975.4), dbSNP rs201948422, ClinGen allele CA354151288.